The following is an entry in ClinVar:

NM_001130004.2(ACTN1):c.1159C>T (p.Arg387Trp)

Gene: ACTN1 (actinin alpha 1; minus strand). Cytogenetic location: 14q24.1.
Variant type: single nucleotide variant.
Coding change: c.1159C>T on transcript NM_001130004.2 (MANE Select); coding-DNA position 1159, C replaced by T.
Protein change: p.Arg387Trp; replaces arginine 387 with tryptophan.
Molecular consequence: missense variant.
Genome position (GRCh38, 1-based): chr14:68,890,214, G>A on the plus strand (C>T on the coding strand, the complement: ACTN1 is on the minus strand). VCF-style: chr14-68890214-G-A. GRCh37 (hg19) VCF-style: chr14-69356931-G-A.
Other names: c.1159C>T, p.Arg387Trp (NM_001102.4, NM_001130005.2); short protein forms R387W.
Identifiers: ClinVar variation 627213 (VCV000627213.4), dbSNP rs1594768518, ClinGen allele CA390187295.
Genomic context (GRCh38, chr14:68,890,214, plus strand): 5'-CGTGGATGGAGGCCTTCTGCCGGAACTTCTCTGCCAGGTGGTCCAGTCGCTCCAGCCTCC[G>A]GATCTCATTCAGCAACCACTCCTCATAGCCCTTCTCCACCTGCTCCAGGCAGCCCCAGGC-3'
Protein context (NP_001123476.1, residues 377-397): GYEEWLLNEI[Arg387Trp]RLERLDHLAE

ClinVar aggregate classification (germline): Uncertain significance. Review status: criteria provided, multiple submitters, no conflicts (2 of 4 stars). 2 submissions from 2 submitters: Uncertain significance (2). Last evaluated 2025-04-21.

Conditions:
Abnormal bleeding. Also called: Bleeding diathesis. Identifiers: MedGen C1458140, HP:0001892.

Allele frequency attached by ClinVar (database versions not stated): TOPMed below 0.00001; gnomAD 0.00001.
gnomAD v4.1: 6 of 1,614,024 alleles (0.00037%); highest among the groups gnomAD compares: Non-Finnish European, 0.00051%; no homozygotes.

Submissions (2):

Women's Health and Genetics/Laboratory Corporation of America, LabCorp
Classification: Uncertain significance. Last evaluated: 2025-04-21. Review status: criteria provided, single submitter. Criteria: LabCorp Variant Classification Summary - May 2015. Collection method: clinical testing. Allele origin: germline.
Comment: Variant summary: ACTN1 c.1159C>T (p.Arg387Trp) results in a non-conservative amino acid change in the encoded protein sequence. Five of five in-silico tools predict a damaging effect of the variant on protein function. The variant allele was found at a frequency of 3.7e-06 in 1607028 control chromosomes in the gnomAD database (v4.1 dataset). The available data on variant occurrences in the general population are insufficient to allow any conclusion about variant significance. c.1159C>T has been observed in at least one individual affected with bleeding disorder (Downes_2019). These report(s) do not provide unequivocal conclusions about association of the variant with Platelet-Type Bleeding Disorder 15. To our knowledge, no experimental evidence demonstrating an impact on protein function has been reported. The following publication has been ascertained in the context of this evaluation (PMID: 31064749). ClinVar contains an entry for this variant (Variation ID: 627213). Based on the evidence outlined above, the variant was classified as uncertain significance.

NIHR Bioresource Rare Diseases, University of Cambridge
Classification: Uncertain significance for Abnormal bleeding. Last evaluated: 2019-02-01. Review status: criteria provided, single submitter. Criteria: ACMG Guidelines, 2015. Collection method: research. Allele origin: unknown. Affected: yes. Observed: 1 heterozygote. Study: ThromboGenomics.

Literature cited by the submitters: PubMed 31064749 (cited by Women's Health and Genetics/Laboratory Corporation of America, LabCorp and NIHR Bioresource Rare Diseases, University of Cambridge).